The following is an entry in ClinVar:

ClinVar aggregate classification (germline): Pathogenic (1 of 4 stars; one submission).

Conditions:
Aicardi-Goutieres syndrome 4. Identifiers: Orphanet 51, MedGen C1835912, MONDO:0012472, OMIM 610333.

Submission:

Labcorp Genetics (formerly Invitae), Labcorp
Classification: Pathogenic for Aicardi-Goutieres syndrome 4. Last evaluated: 2023-02-24. Review status: criteria provided, single submitter. Criteria: Invitae Variant Classification Sherloc (09022015). Collection method: clinical testing. Allele origin: germline.
Comment: For these reasons, this variant has been classified as Pathogenic. This sequence change creates a premature translational stop signal (p.Glu75*) in the RNASEH2A gene. It is expected to result in an absent or disrupted protein product. Loss-of-function variants in RNASEH2A are known to be pathogenic (PMID: 21454563, 25274781). This variant is not present in population databases (gnomAD no frequency). This variant has not been reported in the literature in individuals affected with RNASEH2A-related conditions.

Literature cited by the submitters: PubMed 21454563; PubMed 25274781.

NM_006397.3(RNASEH2A):c.223G>T (p.Glu75Ter)

Gene: RNASEH2A (ribonuclease H2 subunit A; plus strand). Cytogenetic location: 19p13.13.
Variant type: single nucleotide variant.
Coding change: c.223G>T on transcript NM_006397.3 (MANE Select); coding-DNA position 223, G replaced by T.
Protein change: p.Glu75Ter; replaces glutamic acid 75 with a stop codon.
Molecular consequence: nonsense.
Genome position (GRCh38, 1-based): chr19:12,807,229, G>T. VCF-style: chr19-12807229-G-T. GRCh37 (hg19) VCF-style: chr19-12918043-G-T.
Other names: short protein forms E75*.
Identifiers: ClinVar variation 2840647 (VCV002840647.3), dbSNP rs753695101, ClinGen allele CA404264727.
Genomic context (GRCh38, chr19:12,807,229, plus strand): 5'-ACCAGCTGTTCCCCTTCTCTTCCAAACCTCCTCCCAGACTCAAAGACCCTATTGGAGAGC[G>T]AGCGGGAAAGGCTGTTTGCGAAAATGGAGGACACGGACTTTGTCGGCTGGGCGCTGGATG-3'